The following is an entry in ClinVar:

NM_001048174.2(MUTYH):c.418G>A (p.Glu140Lys)

Gene: MUTYH (mutY DNA glycosylase; minus strand). Cytogenetic location: 1p34.1.
Variant type: single nucleotide variant.
Coding change: c.418G>A on transcript NM_001048174.2 (MANE Select); coding-DNA position 418, G replaced by A.
Protein change: p.Glu140Lys; replaces glutamic acid 140 with lysine.
Molecular consequence: missense variant. On other transcripts: non-coding transcript variant (2).
Genome position (GRCh38, 1-based): chr1:45,332,920, C>T on the plus strand (G>A on the coding strand, the complement: MUTYH is on the minus strand). VCF-style: chr1-45332920-C-T. GRCh37 (hg19) VCF-style: chr1-45798592-C-T.
Other names: c.418G>A, p.Glu140Lys (NM_001048171.2, NM_001048173.2, NM_001293195.2); c.421G>A, p.Glu141Lys (NM_001048172.2); c.502G>A, p.Glu168Lys (NM_001128425.2); c.463G>A, p.Glu155Lys (NM_001293190.2); c.451G>A, p.Glu151Lys (NM_001293191.2); c.142G>A, p.Glu48Lys (NM_001293192.2, NM_001293196.2); c.73G>A, p.Glu25Lys (NM_001350650.2, NM_001350651.2); c.493G>A, p.Glu165Lys (NM_012222.3); short protein forms E168K, E140K, E165K, E141K, E151K, E155K, E25K, E48K.
Identifiers: ClinVar variation 490037 (VCV000490037.21), dbSNP rs1553129230, ClinGen allele CA340135905.

ClinVar aggregate classification (germline): Conflicting classifications of pathogenicity. Review status: criteria provided, conflicting classifications (1 of 4 stars). 4 submissions from 4 submitters: Uncertain significance (3); Likely benign (1). Last evaluated 2025-09-15.

Conditions:
Hereditary cancer-predisposing syndrome. Also called: Hereditary neoplastic syndrome; Hereditary Cancer Syndrome; Neoplastic Syndromes, Hereditary; Tumor predisposition. Identifiers: Orphanet 140162, MedGen C0027672, MeSH D009386, MONDO:0015356.
Familial adenomatous polyposis 2. Also called: MYH-associated polyposis; COLORECTAL ADENOMATOUS POLYPOSIS, AUTOSOMAL RECESSIVE; ADENOMAS, MULTIPLE COLORECTAL, AUTOSOMAL RECESSIVE; MUTYH-related attenuated familial adenomatous polyposis; Adenomas, multiple colorectal; FAP type 2. Identifiers: Orphanet 220460, Orphanet 247798, MedGen C3272841, MONDO:0012041, OMIM 608456.

Allele frequency attached by ClinVar (database versions not stated): TOPMed below 0.00001.

Submissions (4):

Ambry Genetics
Classification: Likely benign for Hereditary cancer-predisposing syndrome. Last evaluated: 2025-09-15. Review status: criteria provided, single submitter. Criteria: Ambry Variant Classification Scheme 2023. Collection method: clinical testing. Allele origin: germline.

All of Us Research Program, National Institutes of Health
Classification: Uncertain significance for Familial adenomatous polyposis 2. Last evaluated: 2024-05-30. Review status: criteria provided, single submitter. Criteria: ACMG Guidelines, 2015. Collection method: clinical testing. Allele origin: germline. Inheritance: Autosomal recessive inheritance. Observed: 1 variant allele, 1 heterozygote.
Comment: This study involves interpretation of variants in research participants for the purpose of population health screening. Participant phenotype was not available at the time of variant classification. Additional details can be found in publication PMID: 35346344, PMCID: PMC8962531

Labcorp Genetics (formerly Invitae), Labcorp
Classification: Uncertain significance for Familial adenomatous polyposis 2. Last evaluated: 2023-02-06. Review status: criteria provided, single submitter. Criteria: Invitae Variant Classification Sherloc (09022015). Collection method: clinical testing. Allele origin: germline.
Comment: In summary, the available evidence is currently insufficient to determine the role of this variant in disease. Therefore, it has been classified as a Variant of Uncertain Significance. Algorithms developed to predict the effect of missense changes on protein structure and function are either unavailable or do not agree on the potential impact of this missense change (SIFT: "Deleterious"; PolyPhen-2: "Probably Damaging"; Align-GVGD: "Class C15"). ClinVar contains an entry for this variant (Variation ID: 490037). This variant has not been reported in the literature in individuals affected with MUTYH-related conditions. This variant is not present in population databases (gnomAD no frequency). This sequence change replaces glutamic acid, which is acidic and polar, with lysine, which is basic and polar, at codon 168 of the MUTYH protein (p.Glu168Lys).

Color Diagnostics, LLC DBA Color Health
Classification: Uncertain significance for Hereditary cancer-predisposing syndrome. Last evaluated: 2019-06-29. Review status: criteria provided, single submitter. Criteria: ACMG Guidelines, 2015. Collection method: clinical testing. Allele origin: germline.

Literature cited by the submitters: PubMed 40738107 (cited by Ambry Genetics).